The following is an entry in ClinVar:

ClinVar aggregate classification (germline): Uncertain significance (1 of 4 stars; one submission).

Submission:

Labcorp Genetics (formerly Invitae), Labcorp
Classification: Uncertain significance. Last evaluated: 2023-11-14. Review status: criteria provided, single submitter. Criteria: Invitae Variant Classification Sherloc (09022015). Collection method: clinical testing. Allele origin: germline.
Comment: This sequence change replaces cysteine, which is neutral and slightly polar, with tyrosine, which is neutral and polar, at codon 135 of the FN1 protein (p.Cys135Tyr). This variant is not present in population databases (gnomAD no frequency). This variant has not been reported in the literature in individuals affected with FN1-related conditions. Advanced modeling of protein sequence and biophysical properties (such as structural, functional, and spatial information, amino acid conservation, physicochemical variation, residue mobility, and thermodynamic stability) has been performed at Invitae for this missense variant, however the output from this modeling did not meet the statistical confidence thresholds required to predict the impact of this variant on FN1 protein function. In summary, the available evidence is currently insufficient to determine the role of this variant in disease. Therefore, it has been classified as a Variant of Uncertain Significance.

NM_212482.4(FN1):c.404G>A (p.Cys135Tyr)

Gene: FN1 (fibronectin 1; minus strand). Cytogenetic location: 2q35.
Variant type: single nucleotide variant.
Coding change: c.404G>A on transcript NM_212482.4 (MANE Select); coding-DNA position 404, G replaced by A.
Protein change: p.Cys135Tyr; replaces cysteine 135 with tyrosine.
Molecular consequence: missense variant.
Genome position (GRCh38, 1-based): chr2:215,433,335, C>T on the plus strand (G>A on the coding strand, the complement: FN1 is on the minus strand). VCF-style: chr2-215433335-C-T. GRCh37 (hg19) VCF-style: chr2-216298058-C-T.
Other names: c.404G>A, p.Cys135Tyr (NM_001306129.2, NM_001306130.2, NM_001306131.2 and 14 more transcripts); short protein forms C135Y.
Identifiers: ClinVar variation 2695990 (VCV002695990.3), dbSNP rs2470558916, ClinGen allele CA350478354.